The following is an entry in ClinVar:

ClinVar aggregate classification (germline): Pathogenic. Review status: no assertion criteria provided (0 of 4 stars). 2 submissions from 2 submitters: Pathogenic (2). Last evaluated 2012-10-04.

Conditions:
Hyperekplexia 3 (HKPX3). Also called: HYPEREKPLEXIA 3, AUTOSOMAL RECESSIVE; HYPEREKPLEXIA 3, AUTOSOMAL DOMINANT. Identifiers: Orphanet 3197, MedGen C3553288, MONDO:0013827, OMIM 614618.

Allele frequency attached by ClinVar (database versions not stated): gnomAD exomes below 0.00001 and 0.00001.
gnomAD v4.1: 3 of 1,614,196 alleles (0.00019%); highest among the groups gnomAD compares: Non-Finnish European, 0.00025%; no homozygotes.

Submissions (2):

GeneReviews
Classification: Pathogenic for Hyperekplexia. Last evaluated: 2012-10-04. Review status: no assertion criteria provided. Collection method: curation. Allele origin: unknown.
ClinVar note: Converted during submission from pathologic to Pathogenic.

OMIM
Classification: Pathogenic for HYPEREKPLEXIA 3, AUTOSOMAL RECESSIVE. Last evaluated: 2006-07-01. Review status: no assertion criteria provided. Collection method: literature only. Allele origin: germline.

Literature cited by the submitters: PubMed 16751771 (cited by OMIM).

NM_004211.5(SLC6A5):c.1526A>G (p.Asn509Ser)

Gene: SLC6A5 (solute carrier family 6 member 5; plus strand). Cytogenetic location: 11p15.1.
Variant type: single nucleotide variant.
Coding change: c.1526A>G on transcript NM_004211.5 (MANE Select); coding-DNA position 1526, A replaced by G.
Protein change: p.Asn509Ser; replaces asparagine 509 with serine.
Molecular consequence: missense variant.
Genome position (GRCh38, 1-based): chr11:20,630,717, A>G. VCF-style: chr11-20630717-A-G. GRCh37 (hg19) VCF-style: chr11-20652263-A-G.
Other names: A1526G; c.824A>G, p.Asn275Ser (NM_001318369.2); short protein forms N509S, N275S.
Identifiers: ClinVar variation 5766 (VCV000005766.4), dbSNP rs121908497, ClinGen allele CA340457.